The following is an entry in ClinVar:

ClinVar aggregate classification (germline): Uncertain significance (1 of 4 stars; one submission).

Conditions:
Charcot-Marie-Tooth disease axonal type 2C (HMSN2C). Also called: Charcot-Marie-Tooth Disease Type 2, TRPV4-Related (CMT2C); CHARCOT-MARIE-TOOTH DISEASE, AXONAL, AUTOSOMAL DOMINANT, TYPE 2C; Charcot-Marie-Tooth Neuropathy Type 2C. Identifiers: Orphanet 99937, MedGen C1853710, MONDO:0011633, OMIM 606071.

gnomAD v4.1: 1 of 1,613,880 alleles (0.000062%); highest among the groups gnomAD compares: Non-Finnish European, 0.000085%; no homozygotes.

Submission:

Labcorp Genetics (formerly Invitae), Labcorp
Classification: Uncertain significance for Charcot-Marie-Tooth disease axonal type 2C. Last evaluated: 2020-01-01. Review status: criteria provided, single submitter. Criteria: Invitae Variant Classification Sherloc (09022015). Collection method: clinical testing. Allele origin: germline.
Comment: In summary, the available evidence is currently insufficient to determine the role of this variant in disease. Therefore, it has been classified as a Variant of Uncertain Significance. Algorithms developed to predict the effect of missense changes on protein structure and function are either unavailable or do not agree on the potential impact of this missense change (SIFT: "Deleterious"; PolyPhen-2: "Probably Damaging"; Align-GVGD: "Class C0"). This variant has not been reported in the literature in individuals with TRPV4-related conditions. This variant is not present in population databases (ExAC no frequency). This sequence change replaces leucine with phenylalanine at codon 610 of the TRPV4 protein (p.Leu610Phe). The leucine residue is highly conserved and there is a small physicochemical difference between leucine and phenylalanine.

NM_021625.5(TRPV4):c.1828C>T (p.Leu610Phe)

Gene: TRPV4 (transient receptor potential cation channel subfamily V member 4; minus strand). Cytogenetic location: 12q24.11.
Variant type: single nucleotide variant.
Coding change: c.1828C>T on transcript NM_021625.5 (MANE Select); coding-DNA position 1828, C replaced by T.
Protein change: p.Leu610Phe; replaces leucine 610 with phenylalanine.
Molecular consequence: missense variant.
Genome position (GRCh38, 1-based): chr12:109,792,426, G>A on the plus strand (C>T on the coding strand, the complement: TRPV4 is on the minus strand). VCF-style: chr12-109792426-G-A. GRCh37 (hg19) VCF-style: chr12-110230231-G-A.
Other names: c.1726C>T, p.Leu576Phe (NM_001177431.2); c.1507C>T, p.Leu503Phe (NM_001177433.2); c.1648C>T, p.Leu550Phe (NM_147204.3); c.1687C>T, p.Leu563Phe (NM_001177428.2); short protein forms L610F, L503F, L550F, L563F, L576F.
Identifiers: ClinVar variation 1052748 (VCV001052748.9), dbSNP rs2136466528, ClinGen allele CA386651882.
Genomic context (GRCh38, chr12:109,792,426, plus strand): 5'-AAGCGTAGCCGATCATGAAGAGCAAGTAGACGAGCAGGAATCGGAAAAGGTCCTTGAAGA[G>A]AATCTAAAGACCCCAGCGGGATTATGGAGGCAAAGAGGAGACACATGGTTTCTCACTTTC-3'
Protein context (NP_067638.3, residues 600-620): GTYSIMIQKI[Leu610Phe]FKDLFRFLLV